The following is an entry in ClinVar:

ClinVar aggregate classification (germline): Benign. Review status: criteria provided, multiple submitters, no conflicts (2 of 4 stars). 6 submissions from 6 submitters: Benign (4). 2 of the submissions do not count toward it. Last evaluated 2025-06-16.

Conditions:
Frontotemporal dementia (FTD1). Also called: Frontotemporal lobe dementia (FLDEM); MULTIPLE SYSTEM TAUOPATHY WITH PRESENILE DEMENTIA; WILHELMSEN-LYNCH DISEASE; Dementia, frontotemporal, with or without parkinsonism; FRONTOTEMPORAL DEMENTIA WITH PARKINSONISM; FRONTOTEMPORAL LOBE DEMENTIA. Identifiers: Orphanet 282, MedGen C0338451, MONDO:0017276, OMIM 600274, HP:0002145.

Allele frequency attached by ClinVar (database versions not stated): 1000 Genomes Project 0.05531; ESP Exome Variant Server 0.05936; gnomAD 0.05239 and 0.05622; gnomAD exomes 0.01427; ExAC 0.01710; 1000 Genomes Project 30x 0.05746; TOPMed 0.05902.
gnomAD v4.1: 16,867 of 1,614,056 alleles (1%); highest among the groups gnomAD compares: African/African-American, 18%; 1,325 homozygotes.

Submissions (6):

Labcorp Genetics (formerly Invitae), Labcorp
Classification: Benign for Frontotemporal dementia. Last evaluated: 2025-06-16. Review status: criteria provided, single submitter. Criteria: Invitae Variant Classification Sherloc (09022015). Collection method: clinical testing. Allele origin: germline.

GeneDx
Classification: Benign. Last evaluated: 2018-07-03. Review status: criteria provided, single submitter. Criteria: GeneDx Variant Classification Process June 2021. Collection method: clinical testing. Allele origin: germline. Affected: yes.
Comment: This variant is associated with the following publications: (PMID: 23990795, 27884173)

Breakthrough Genomics
Classification: Benign. Review status: criteria provided, single submitter. Criteria: ACMG Guidelines, 2015. Collection method: not provided. Allele origin: germline. Inheritance: Autosomal recessive inheritance. Affected: yes.

PreventionGenetics, part of Exact Sciences
Classification: Benign. Review status: criteria provided, single submitter. Criteria: ACMG Guidelines, 2015. Collection method: clinical testing. Allele origin: germline.

Clinical Genetics, Academic Medical Center
Classification: Benign. Review status: no assertion criteria provided. Collection method: clinical testing. Allele origin: germline. Affected: yes. Study: VKGL Data-share Consensus. Not counted in ClinVar's aggregate classification.

Genome Diagnostics Laboratory, Amsterdam University Medical Center
Classification: Likely benign. Review status: no assertion criteria provided. Collection method: clinical testing. Allele origin: germline. Affected: yes. Study: VKGL Data-share Consensus. Not counted in ClinVar's aggregate classification.

NM_001377265.1(MAPT):c.1178C>T (p.Ser393Leu)

Gene: MAPT (microtubule associated protein tau). Cytogenetic location: 17q21.31.
Variant type: single nucleotide variant.
Coding change: c.1178C>T on transcript NM_001377265.1 (MANE Select); coding-DNA position 1178, C replaced by T.
Protein change: p.Ser393Leu; replaces serine 393 with leucine.
Molecular consequence: missense variant. On other transcripts: intron variant (8).
Genome position (GRCh38, 1-based): chr17:45,983,757, C>T. VCF-style: chr17-45983757-C-T. GRCh37 (hg19) VCF-style: chr17-44061123-C-T.
Other names: c.953C>T, p.Ser318Leu (NM_001123066.4, NM_016835.5); c.1178C>T, p.Ser393Leu (NM_001377266.1); c.200-3283C>T (NM_001377268.1, NM_016834.5, NM_016841.5); c.374-3283C>T (NM_005910.6, NM_001203252.2); c.287-3283C>T (NM_001123067.4, NM_001203251.2, NM_001377267.1); short protein forms S318L, S393L.
Identifiers: ClinVar variation 257505 (VCV000257505.16), dbSNP rs73314997, ClinGen allele CA8617803.